The following is an entry in ClinVar:

NM_002253.4(KDR):c.3026G>A (p.Ser1009Asn)

Gene: KDR (kinase insert domain receptor; minus strand). Cytogenetic location: 4q12.
Variant type: single nucleotide variant.
Coding change: c.3026G>A on transcript NM_002253.4 (MANE Select); coding-DNA position 3026, G replaced by A.
Protein change: p.Ser1009Asn; replaces serine 1009 with asparagine.
Molecular consequence: missense variant.
Genome position (GRCh38, 1-based): chr4:55,092,660, C>T on the plus strand (G>A on the coding strand, the complement: KDR is on the minus strand). VCF-style: chr4-55092660-C-T. GRCh37 (hg19) VCF-style: chr4-55958827-C-T.
Other names: short protein forms S1009N.
Identifiers: ClinVar variation 4075510 (VCV004075510.1).

ClinVar aggregate classification (germline): Uncertain significance (1 of 4 stars; one submission).

Submission:

GeneDx
Classification: Uncertain significance. Last evaluated: 2023-10-16. Review status: criteria provided, single submitter. Criteria: GeneDx Variant Classification Process June 2021. Collection method: clinical testing. Allele origin: germline. Affected: yes.
Comment: Not observed at significant frequency in large population cohorts (gnomAD); In silico analysis supports that this missense variant has a deleterious effect on protein structure/function; Has not been previously published as pathogenic or benign to our knowledge; Variants in candidate genes are classified as variants of uncertain significance in accordance with ACMG guidelines (Richards et al., 2015)